The following is an entry in ClinVar:

ClinVar aggregate classification (germline): Uncertain significance. Review status: criteria provided, multiple submitters, no conflicts (2 of 4 stars). 2 submissions from 2 submitters: Uncertain significance (2). Last evaluated 2022-11-03.

gnomAD v4.1: 3 of 1,614,222 alleles (0.00019%); highest among the groups gnomAD compares: Non-Finnish European, 0.00025%; no homozygotes.

Submissions (2):

Blueprint Genetics
Classification: Uncertain significance. Last evaluated: 2022-11-03. Review status: criteria provided, single submitter. Criteria: ACMG Guidelines, 2015. Collection method: clinical testing. Allele origin: germline.

Labcorp Genetics (formerly Invitae), Labcorp
Classification: Uncertain significance. Last evaluated: 2022-08-10. Review status: criteria provided, single submitter. Criteria: Invitae Variant Classification Sherloc (09022015). Collection method: clinical testing. Allele origin: germline.
Comment: This sequence change replaces arginine, which is basic and polar, with threonine, which is neutral and polar, at codon 708 of the SEMA4A protein (p.Arg708Thr). This variant is not present in population databases (gnomAD no frequency). This variant has not been reported in the literature in individuals affected with SEMA4A-related conditions. ClinVar contains an entry for this variant (Variation ID: 1501713). Algorithms developed to predict the effect of missense changes on protein structure and function (SIFT, PolyPhen-2, Align-GVGD) all suggest that this variant is likely to be tolerated. In summary, the available evidence is currently insufficient to determine the role of this variant in disease. Therefore, it has been classified as a Variant of Uncertain Significance.

NM_022367.4(SEMA4A):c.2123G>C (p.Arg708Thr)

Gene: SEMA4A (semaphorin 4A; plus strand). Cytogenetic location: 1q22.
Variant type: single nucleotide variant.
Coding change: c.2123G>C on transcript NM_022367.4 (MANE Select); coding-DNA position 2123, G replaced by C.
Protein change: p.Arg708Thr; replaces arginine 708 with threonine.
Molecular consequence: missense variant.
Genome position (GRCh38, 1-based): chr1:156,176,834, G>C. VCF-style: chr1-156176834-G-C. GRCh37 (hg19) VCF-style: chr1-156146625-G-C.
Other names: c.2123G>C, p.Arg708Thr (NM_001193300.2, NM_001193301.2, NM_001370567.1); c.1727G>C, p.Arg576Thr (NM_001193302.2); c.1826G>C, p.Arg609Thr (NM_001370568.1); c.1616G>C, p.Arg539Thr (NM_001370569.1, NM_001370571.1); short protein forms R609T, R708T, R576T, R539T.
Identifiers: ClinVar variation 1501713 (VCV001501713.7), dbSNP rs1655389260, ClinGen allele CA342813692.